The following is an entry in ClinVar:

ClinVar aggregate classification (germline): Uncertain significance (1 of 4 stars; one submission).

Conditions:
Muscular dystrophy-dystroglycanopathy (congenital with brain and eye anomalies), type A9. Also called: WALKER-WARBURG SYNDROME OR MUSCLE-EYE BRAIN DISEASE, DAG1-RELATED; Muscular dystrophy-dystroglycanopathy (congenital with brain and eye anomalies), type a, 9. Identifiers: Orphanet 370997, Orphanet 899, MedGen C4225291, MONDO:0014683, OMIM 616538.
Autosomal recessive limb-girdle muscular dystrophy type 2P. Also called: MUSCULAR DYSTROPHY, LIMB-GIRDLE, TYPE 2P; MUSCULAR DYSTROPHY-DYSTROGLYCANOPATHY, LIMB-GIRDLE, DAG1-RELATED; Limb-Girdle Muscular Dystrophy Type 9C. Identifiers: Orphanet 280333, MedGen C4511963, MONDO:0013440, OMIM 613818.

gnomAD v4.1: 6 of 1,614,054 alleles (0.00037%); highest among the groups gnomAD compares: African/African-American, 0.008%; no homozygotes.

Submission:

Labcorp Genetics (formerly Invitae), Labcorp
Classification: Uncertain significance for Autosomal recessive limb-girdle muscular dystrophy type 2P; Muscular dystrophy-dystroglycanopathy (congenital with brain and eye anomalies), type A9. Last evaluated: 2024-11-30. Review status: criteria provided, single submitter. Criteria: Invitae Variant Classification Sherloc (09022015). Collection method: clinical testing. Allele origin: germline.
Comment: This sequence change replaces glycine, which is neutral and non-polar, with glutamic acid, which is acidic and polar, at codon 601 of the DAG1 protein (p.Gly601Glu). This variant is present in population databases (rs781242650, gnomAD 0.007%). This variant has not been reported in the literature in individuals affected with DAG1-related conditions. Invitae Evidence Modeling of protein sequence and biophysical properties (such as structural, functional, and spatial information, amino acid conservation, physicochemical variation, residue mobility, and thermodynamic stability) indicates that this missense variant is not expected to disrupt DAG1 protein function with a negative predictive value of 80%. In summary, the available evidence is currently insufficient to determine the role of this variant in disease. Therefore, it has been classified as a Variant of Uncertain Significance.

NM_004393.6(DAG1):c.1802G>A (p.Gly601Glu)

Gene: DAG1 (dystroglycan 1; plus strand). Cytogenetic location: 3p21.31.
Variant type: single nucleotide variant.
Coding change: c.1802G>A on transcript NM_004393.6 (MANE Select); coding-DNA position 1802, G replaced by A.
Protein change: p.Gly601Glu; replaces glycine 601 with glutamic acid.
Molecular consequence: missense variant.
Genome position (GRCh38, 1-based): chr3:49,532,313, G>A. VCF-style: chr3-49532313-G-A. GRCh37 (hg19) VCF-style: chr3-49569746-G-A.
Other names: c.1802G>A, p.Gly601Glu (NM_001177638.3, NM_001177639.3, NM_001177640.3 and 9 more transcripts); short protein forms G601E.
Identifiers: ClinVar variation 3754294 (VCV003754294.2).
Genomic context (GRCh38, chr3:49,532,313, plus strand): 5'-ACAAGGGGGGCCTGTCGGCTGTGGATGCCTTCGAGATCCACGTCCACAGGCGCCCCCAAG[G>A]GGATAGGGCTCCTGCAAGGTTCAAGGCCAAGTTTGTGGGTGACCCGGCACTGGTGTTGAA-3'
Protein context (NP_004384.5, residues 591-611): FEIHVHRRPQ[Gly601Glu]DRAPARFKAK